The following is an entry in ClinVar:

NM_002354.3(EPCAM):c.624C>A (p.Asp208Glu)

Gene: EPCAM (epithelial cell adhesion molecule; plus strand). Cytogenetic location: 2p21.
Variant type: single nucleotide variant.
Coding change: c.624C>A on transcript NM_002354.3 (MANE Select); coding-DNA position 624, C replaced by A.
Protein change: p.Asp208Glu; replaces aspartic acid 208 with glutamic acid.
Molecular consequence: missense variant.
Genome position (GRCh38, 1-based): chr2:47,379,021, C>A. VCF-style: chr2-47379021-C-A. GRCh37 (hg19) VCF-style: chr2-47606160-C-A.
Other names: short protein forms D208E.
Identifiers: ClinVar variation 3509186 (VCV003509186.1).

ClinVar aggregate classification (germline): Uncertain significance (1 of 4 stars; one submission).

Conditions:
Hereditary cancer-predisposing syndrome. Also called: Tumor predisposition; Neoplastic Syndromes, Hereditary; Hereditary Cancer Syndrome; Hereditary neoplastic syndrome. Identifiers: Orphanet 140162, MedGen C0027672, MeSH D009386, MONDO:0015356.

Submission:

Ambry Genetics
Classification: Uncertain significance for Hereditary cancer-predisposing syndrome. Last evaluated: 2024-09-27. Review status: criteria provided, single submitter. Criteria: Ambry Variant Classification Scheme 2023. Collection method: clinical testing. Allele origin: germline.
Comment: The p.D208E variant (also known as c.624C>A), located in coding exon 6 of the EPCAM gene, results from a C to A substitution at nucleotide position 624. The aspartic acid at codon 208 is replaced by glutamic acid, an amino acid with highly similar properties. This amino acid position is conserved. In addition, this alteration is predicted to be deleterious by in silico analysis. Based on the available evidence, the clinical significance of this variant remains unclear.